The following is an entry in ClinVar:

ClinVar aggregate classification (germline): Pathogenic. Review status: reviewed by expert panel (3 of 4 stars). 6 submissions from 6 submitters: Pathogenic (1). 5 of the submissions do not count toward it. Last evaluated 2016-09-08.

Conditions:
Hereditary cancer-predisposing syndrome. Also called: Tumor predisposition; Neoplastic Syndromes, Hereditary; Hereditary Cancer Syndrome; Hereditary neoplastic syndrome. Identifiers: Orphanet 140162, MedGen C0027672, MeSH D009386, MONDO:0015356.
Hereditary breast ovarian cancer syndrome. Also called: Hereditary breast and ovarian cancer syndrome (HBOC); Hereditary breast and ovarian cancer syndrome; Hereditary breast and ovarian cancer; Hereditary breast and/or ovarian cancer syndrome; Breast and ovarian cancer; BRCA1- and BRCA2-Associated Hereditary Breast and Ovarian Cancer. Identifiers: Orphanet 145, MedGen C0677776, MeSH D061325, MONDO:0003582. Disease mechanism: loss of function.
Breast-ovarian cancer, familial, susceptibility to, 1 (BROVCA1). Also called: OVARIAN CANCER, SUSCEPTIBILITY TO; BRCA1 Hereditary Breast and Ovarian Cancer. Identifiers: Orphanet 145, MedGen C2676676, MONDO:0011450, OMIM 604370. Disease mechanism: loss of function.

Submissions (6):

Evidence-based Network for the Interpretation of Germline Mutant Alleles (ENIGMA)
Classification: Pathogenic for Breast-ovarian cancer, familial, susceptibility to, 1. Last evaluated: 2016-09-08. Review status: reviewed by expert panel. Criteria: ENIGMA BRCA1/2 Classification Criteria (2015). Collection method: curation. Allele origin: germline.
Comment: Variant allele predicted to encode a truncated non-functional protein.

Ambry Genetics
Classification: Likely pathogenic for Hereditary cancer-predisposing syndrome. Last evaluated: 2025-02-07. Review status: criteria provided, single submitter. Criteria: Ambry Variant Classification Scheme 2023. Collection method: clinical testing. Allele origin: germline. Not counted in ClinVar's aggregate classification.
Comment: The c.5386delT variant, located in coding exon 20 of the BRCA1 gene, results from a deletion of one nucleotide at nucleotide position 5386, causing a translational frameshift with a predicted alternate stop codon (p.S1796Hfs*38). This alteration has been detected in 1/1824 patient with triple-negative breast cancer who were unselected for a family history of breast or ovarian cancer (Couch FJ et al. J Clin Oncol, 2015 Feb;33:304-11). This variant is considered to be rare based on population cohorts in the Genome Aggregation Database (gnomAD). This alteration is expected to result in loss of function by premature protein truncation or nonsense-mediated mRNA decay. As such, this alteration is interpreted as a disease-causing mutation.

Color Diagnostics, LLC DBA Color Health
Classification: Pathogenic for Hereditary cancer-predisposing syndrome. Last evaluated: 2024-03-14. Review status: criteria provided, single submitter. Criteria: ACMG Guidelines, 2015. Collection method: clinical testing. Allele origin: germline. Not counted in ClinVar's aggregate classification.
Comment: This variant deletes 1 nucleotide in exon 21 of the BRCA1 gene, creating a frameshift and premature translation stop signal. This variant is expected to truncate the BRCT domain is important for phosphopeptide binding and DNA damage response (PMID: 25701377) and is therefore expected to result in a non-functional protein product. There are over 10 truncation variants with the premature termination codon after codon 1834 that have been reported as disease-causing in ClinVar (e.g. ClinVar variation ID: 55606, 55608, 55069, 266557, 431281). This variant has been reported in an individual affected with breast cancer (PMID: 25452441). This variant has not been identified in the general population by the Genome Aggregation Database (gnomAD). Loss of BRCA1 function is a known mechanism of disease. Based on the available evidence, this variant is classified as Pathogenic.

Labcorp Genetics (formerly Invitae), Labcorp
Classification: Pathogenic for Hereditary breast ovarian cancer syndrome. Last evaluated: 2023-07-07. Review status: criteria provided, single submitter. Criteria: Invitae Variant Classification Sherloc (09022015). Collection method: clinical testing. Allele origin: germline. Not counted in ClinVar's aggregate classification.
Comment: This sequence change creates a premature translational stop signal (p.Ser1796Hisfs*38) in the BRCA1 gene. While this is not anticipated to result in nonsense mediated decay, it is expected to disrupt the last 68 amino acid(s) of the BRCA1 protein. For these reasons, this variant has been classified as Pathogenic. This variant disrupts a region of the BRCA1 protein in which other variant(s) (p.Tyr1853*) have been determined to be pathogenic (PMID: 7894493, 10811118, 11739404, 12400015, 21922593; Invitae). This suggests that this is a clinically significant region of the protein, and that variants that disrupt it are likely to be disease-causing. ClinVar contains an entry for this variant (Variation ID: 37662). This premature translational stop signal has been observed in individual(s) with breast cancer (PMID: 25452441). This variant is not present in population databases (gnomAD no frequency).

Consortium of Investigators of Modifiers of BRCA1/2 (CIMBA), c/o University of Cambridge
Classification: Pathogenic for Breast-ovarian cancer, familial, susceptibility to, 1. Last evaluated: 2015-10-02. Review status: criteria provided, single submitter. Criteria: CIMBA Mutation Classification guidelines May 2016. Collection method: clinical testing. Allele origin: germline. Not counted in ClinVar's aggregate classification.

Sharing Clinical Reports Project (SCRP)
Classification: Pathogenic for Breast-ovarian cancer, familial 1. Last evaluated: 2007-07-09. Review status: no assertion criteria provided. Collection method: clinical testing. Allele origin: germline. Not counted in ClinVar's aggregate classification.

Literature cited by the submitters: PubMed 25452441 (cited by 3 submitters); PubMed 25701377 (cited by Color Diagnostics, LLC DBA Color Health); PubMed 7894493 (cited by Labcorp Genetics (formerly Invitae), Labcorp); PubMed 10811118 (cited by Labcorp Genetics (formerly Invitae), Labcorp); PubMed 11739404 (cited by Labcorp Genetics (formerly Invitae), Labcorp); PubMed 12400015 (cited by Labcorp Genetics (formerly Invitae), Labcorp); PubMed 21922593 (cited by Labcorp Genetics (formerly Invitae), Labcorp).

NM_007294.4(BRCA1):c.5386del (p.Ser1796fs)

Gene: BRCA1 (BRCA1 DNA repair associated; minus strand). Cytogenetic location: 17q21.31.
Variant type: Deletion.
Coding change: c.5386del on transcript NM_007294.4 (MANE Select); coding-DNA position 5386, one base deleted (T; older notation c.5386delT).
Protein change: p.Ser1796fs; shifts the reading frame from serine 1796.
Molecular consequence: frameshift variant. On other transcripts: non-coding transcript variant (1), intron variant (1).
Genome position (GRCh38, 1-based): chr17:43,049,141, A deleted on the plus strand (T on the coding strand, the reverse complement: BRCA1 is on the minus strand); the first of 3 consecutive A bases (chr17:43,049,141-43,049,143); deleting any one gives the same sequence. VCF-style (leftmost placement, unchanged base first): chr17-43049140-GA-G. GRCh37 (hg19) VCF-style: chr17-41201157-GA-G.
Other names: 5505delT; c.5386delT (NM_007294.3); c.5171delT, p.Ser1725Hisfs (NM_001407571.1, NM_001407894.1, NM_001407895.1 and 12 more transcripts); c.5450delT, p.Ser1818Hisfs (NM_001407581.1, NM_001407582.1); c.5447delT, p.Ser1817Hisfs (NM_001407583.1, NM_001407585.1, NM_001407587.1); c.5444delT, p.Ser1816Hisfs (NM_001407590.1, NM_001407591.1); c.5384delT, p.Ser1796Hisfs (NM_001407593.1, NM_001407594.1, NM_001407596.1 and 5 more transcripts); c.5381delT, p.Ser1795Hisfs (NM_001407610.1, NM_001407611.1, NM_001407612.1 and 14 more transcripts); and 77 more; short protein forms S1749fs, S1817fs, S1796fs, S692fs.
Identifiers: ClinVar variation 37662 (VCV000037662.10), dbSNP rs80357838, ClinGen allele CA003545.